The following is an entry in ClinVar:

ClinVar aggregate classification (germline): Uncertain significance. Review status: criteria provided, multiple submitters, no conflicts (2 of 4 stars). 2 submissions from 2 submitters: Uncertain significance (2). Last evaluated 2025-09-15.

Conditions:
SH2B1-related disorder. Also called: SH2B1-related condition.

Allele frequency attached by ClinVar (database versions not stated): TOPMed 0.00001; gnomAD 0.00002; gnomAD exomes 0.00003; ExAC 0.00006.
gnomAD v4.1: 41 of 1,612,716 alleles (0.0025%); highest among the groups gnomAD compares: South Asian, 0.0088%; no homozygotes.

Submissions (2):

PreventionGenetics, part of Exact Sciences
Classification: Uncertain significance for SH2B1-related condition. Last evaluated: 2025-09-15. Review status: criteria provided, single submitter. Criteria: ACMG Guidelines, 2015. Collection method: clinical testing. Allele origin: germline.
Comment: The SH2B1 c.1375G>A variant is predicted to result in the amino acid substitution p.Ala459Thr. To our knowledge, this variant has not been reported in the literature. This variant is reported in 0.0065% of alleles in individuals of South Asian descent in gnomAD. At this time, the clinical significance of this variant is uncertain due to the absence of conclusive functional and genetic evidence.

Labcorp Genetics (formerly Invitae), Labcorp
Classification: Uncertain significance. Last evaluated: 2025-04-08. Review status: criteria provided, single submitter. Criteria: Invitae Variant Classification Sherloc (09022015). Collection method: clinical testing. Allele origin: germline.
Comment: This sequence change replaces alanine, which is neutral and non-polar, with threonine, which is neutral and polar, at codon 459 of the SH2B1 protein (p.Ala459Thr). This variant is present in population databases (rs758827783, gnomAD 0.006%). This variant has not been reported in the literature in individuals affected with SH2B1-related conditions. ClinVar contains an entry for this variant (Variation ID: 1987972). An algorithm developed to predict the effect of missense changes on protein structure and function (PolyPhen-2) suggests that this variant is likely to be disruptive. In summary, the available evidence is currently insufficient to determine the role of this variant in disease. Therefore, it has been classified as a Variant of Uncertain Significance.

NM_001387430.1(SH2B1):c.1375G>A (p.Ala459Thr)

Gene: SH2B1 (SH2B adaptor protein 1; plus strand). Cytogenetic location: 16p11.2.
Variant type: single nucleotide variant.
Coding change: c.1375G>A on transcript NM_001387430.1 (MANE Select); coding-DNA position 1375, G replaced by A.
Protein change: p.Ala459Thr; replaces alanine 459 with threonine.
Molecular consequence: missense variant.
Genome position (GRCh38, 1-based): chr16:28,871,845, G>A. VCF-style: chr16-28871845-G-A. GRCh37 (hg19) VCF-style: chr16-28883166-G-A.
Other names: c.1375G>A (NM_001145795.1); c.1375G>A, p.Ala459Thr (NM_001145795.2, NM_001145796.2, NM_001145797.2 and 4 more transcripts); c.367G>A, p.Ala123Thr (NM_001308294.2); short protein forms A459T, A123T.
Identifiers: ClinVar variation 1987972 (VCV001987972.5), dbSNP rs758827783, ClinGen allele CA7986186.
Genomic context (GRCh38, chr16:28,871,845, plus strand): 5'-TATGGGGGCCTCTCAGACCGCCCCTCGGCATCCATCTCCCCCAGCTCTGCCTCCATTGCC[G>A]CCTCCCATTTTGACTCGATGGAACTGCTTCCCCCAGAGTTGCCCCCCCGCATCCCCATTG-3'
Protein context (NP_001374359.1, residues 449-469): SISPSSASIA[Ala459Thr]SHFDSMELLP